The following is an entry in ClinVar:

NM_000053.4(ATP7B):c.3556+5C>T

Gene: ATP7B (ATPase copper transporting beta; minus strand). Cytogenetic location: 13q14.3.
Variant type: single nucleotide variant.
Coding change: c.3556+5C>T on transcript NM_000053.4 (MANE Select); 5 bases into the intron after coding-DNA position 3556, C replaced by T.
Molecular consequence: intron variant.
Genome position (GRCh38, 1-based): chr13:51,941,076, G>A on the plus strand (C>T on the coding strand, the complement: ATP7B is on the minus strand). VCF-style: chr13-51941076-G-A. GRCh37 (hg19) VCF-style: chr13-52515212-G-A.
Other names: c.3064+1310C>T (NM_001406543.1); c.3322+5C>T (NM_001406528.1, NM_001330578.2, NM_001406527.1); c.3412+5C>T (NM_001406522.1, NM_001406520.1, NM_001406521.1); c.3502+5C>T (NM_001406516.1, NM_001406515.1); c.3556+5C>T (NM_001406512.1, NM_001406526.1, NM_001406511.1); c.3304+5C>T (NM_001406532.1, NM_001330579.2, NM_001406531.1); c.3223+5C>T (NM_001243182.2); c.2266+5C>T (NM_001406548.1); and 20 more.
Identifiers: ClinVar variation 3387446 (VCV003387446.1).

ClinVar aggregate classification (germline): Uncertain significance (1 of 4 stars; one submission).

Conditions:
Wilson disease (WND). Also called: Wilson's disease. Identifiers: Orphanet 905, MedGen C0019202, MONDO:0010200, OMIM 277900. Disease mechanism: loss of function.

Submission:

All of Us Research Program, National Institutes of Health
Classification: Uncertain significance for Wilson disease. Last evaluated: 2024-03-24. Review status: criteria provided, single submitter. Criteria: ACMG Guidelines, 2015. Collection method: clinical testing. Allele origin: germline. Inheritance: Autosomal recessive inheritance. Observed: 1 variant allele, 1 heterozygote.
Comment: This variant causes a C to T nucleotide substitution at the +5 position of intron 16/20 of the ATP7B gene. To our knowledge, functional studies have not been reported for this variant. This variant has not been reported in individuals affected with ATP7B-related disorders in the literature. This variant has been identified in 1/249586 chromosomes in the general population by the Genome Aggregation Database (gnomAD). The available evidence is insufficient to determine the role of this variant in disease conclusively. Therefore, this variant is classified as a Variant of Uncertain Significance.

This study involves interpretation of variants in research participants for the purpose of population health screening. Participant phenotype was not available at the time of variant classification. Additional details can be found in publication PMID: 35346344, PMCID: PMC8962531